The following is an entry in ClinVar:

ClinVar aggregate classification (germline): Benign/Likely benign. Review status: criteria provided, multiple submitters, no conflicts (2 of 4 stars). 2 submissions from 2 submitters: Benign (1); Likely benign (1). Last evaluated 2025-10-18.

Allele frequency attached by ClinVar (database versions not stated): TOPMed 0.00001; ESP Exome Variant Server 0.00008; gnomAD exomes 0.00009 and 0.00016; ExAC 0.00011; gnomAD 0.00015 and 0.00016.
gnomAD v4.1: 145 of 1,614,104 alleles (0.009%); highest among the groups gnomAD compares: Middle Eastern, 0.033%; no homozygotes.

Submissions (2):

Labcorp Genetics (formerly Invitae), Labcorp
Classification: Benign. Last evaluated: 2025-10-18. Review status: criteria provided, single submitter. Criteria: Invitae Variant Classification Sherloc (09022015). Collection method: clinical testing. Allele origin: germline.

CeGaT Center for Human Genetics Tuebingen
Classification: Likely benign. Last evaluated: 2022-04-01. Review status: criteria provided, single submitter. Criteria: CeGaT Center For Human Genetics Tuebingen Variant Classification Criteria Version 2. Collection method: clinical testing. Allele origin: germline. Affected: yes. Observed: 1 variant allele.
Comment: MCM2: BP4, BP7

NM_004526.4(MCM2):c.651G>A (p.Glu217=)

Gene: MCM2 (minichromosome maintenance complex component 2; plus strand). Cytogenetic location: 3q21.3.
Variant type: single nucleotide variant.
Coding change: c.651G>A on transcript NM_004526.4 (MANE Select); coding-DNA position 651, G replaced by A.
Protein change: p.Glu217=; no amino-acid change (glutamic acid 217 retained).
Molecular consequence: synonymous variant. On other transcripts: non-coding transcript variant (1).
Genome position (GRCh38, 1-based): chr3:127,605,134, G>A. VCF-style: chr3-127605134-G-A. GRCh37 (hg19) VCF-style: chr3-127323977-G-A.
Identifiers: ClinVar variation 1695083 (VCV001695083.33), dbSNP rs138251000, ClinGen allele CA2595651.